The following is an entry in ClinVar:

ClinVar aggregate classification (germline): Uncertain significance (1 of 4 stars; one submission).

Conditions:
NRP2-related disorder. Also called: NRP2-related condition.

Allele frequency attached by ClinVar (database versions not stated): ExAC 0.00001; gnomAD 0.00001.
gnomAD v4.1: 18 of 1,614,046 alleles (0.0011%); highest among the groups gnomAD compares: East Asian, 0.0022%; no homozygotes.

Submission:

PreventionGenetics, part of Exact Sciences
Classification: Uncertain significance for NRP2-related condition. Last evaluated: 2026-09-24. Review status: criteria provided, single submitter. Criteria: ACMG Guidelines, 2015. Collection method: clinical testing. Allele origin: germline.
Comment: The NRP2 c.1411C>T variant is predicted to result in the amino acid substitution p.Arg471Cys. To our knowledge, this variant has not been reported in the literature. This variant is reported in 0.018% of alleles in individuals of European (Finnish) descent in gnomAD. At this time, the clinical significance of this variant is uncertain due to the absence of conclusive functional and genetic evidence.

NM_003872.3(NRP2):c.1411C>T (p.Arg471Cys)

Gene: NRP2 (neuropilin 2; plus strand). Cytogenetic location: 2q33.3.
Variant type: single nucleotide variant.
Coding change: c.1411C>T on transcript NM_003872.3 (MANE Select); coding-DNA position 1411, C replaced by T.
Protein change: p.Arg471Cys; replaces arginine 471 with cysteine.
Molecular consequence: missense variant.
Genome position (GRCh38, 1-based): chr2:205,743,322, C>T. VCF-style: chr2-205743322-C-T. GRCh37 (hg19) VCF-style: chr2-206608046-C-T.
Other names: c.1411C>T, p.Arg471Cys (NM_018534.4, NM_201264.2, NM_201266.2 and 2 more transcripts); short protein forms R471C.
Identifiers: ClinVar variation 2636156 (VCV002636156.2), dbSNP rs746710925, ClinGen allele CA2069094.